The following is an entry in ClinVar:

NM_001231.5(CASQ1):c.115del (p.Asp39fs)

Gene: CASQ1 (calsequestrin 1; plus strand). Cytogenetic location: 1q23.2.
Variant type: Deletion.
Coding change: c.115del on transcript NM_001231.5 (MANE Select); coding-DNA position 115, one base deleted (G; older notation c.115delG).
Protein change: p.Asp39fs; shifts the reading frame from aspartic acid 39.
Molecular consequence: frameshift variant.
Genome position (GRCh38, 1-based): chr1:160,190,866, G deleted; the last of 2 consecutive G bases (chr1:160,190,865-160,190,866); deleting either gives the same sequence. VCF-style (leftmost placement, unchanged base first): chr1-160190864-TG-T. GRCh37 (hg19) VCF-style: chr1-160160654-TG-T.
Other names: short protein forms D39fs.
Identifiers: ClinVar variation 2747235 (VCV002747235.3), dbSNP rs2525040674, ClinGen allele CA2697554619.
Genomic context (GRCh38, chr1:160,190,864, plus strand): 5'-CACTGCTGTTGCTGCTGGTGCTAGGGACACCCAAGTCAGGGGTACAGGGGCAGGAAGGGC[TG>T]GACTTCCCTGAGTACGATGGTGTGGACCGTGTGATCAATGTCAATGCAAAGAACTACAAG-3'

ClinVar aggregate classification (germline): Uncertain significance (1 of 4 stars; one submission).

Submission:

Labcorp Genetics (formerly Invitae), Labcorp
Classification: Uncertain significance. Last evaluated: 2025-08-18. Review status: criteria provided, single submitter. Criteria: Invitae Variant Classification Sherloc (09022015). Collection method: clinical testing. Allele origin: germline.
Comment: This sequence change creates a premature translational stop signal (p.Asp39Thrfs*11) in the CASQ1 gene. It is expected to result in an absent or disrupted protein product. However, the current clinical and genetic evidence is not sufficient to establish whether loss-of-function variants in CASQ1 cause disease. This variant is not present in population databases (gnomAD no frequency). This variant has not been reported in the literature in individuals affected with CASQ1-related conditions. ClinVar contains an entry for this variant (Variation ID: 2747235). In summary, the available evidence is currently insufficient to determine the role of this variant in disease. Therefore, it has been classified as a Variant of Uncertain Significance.